The following is an entry in ClinVar:

ClinVar aggregate classification (germline): Pathogenic (1 of 4 stars; one submission).

Conditions:
Early-infantile DEE. Also called: Early infantile epileptic encephalopathy; Early infantile epileptic encephalopathy with suppression bursts; Ohtahara syndrome. Identifiers: Orphanet 1934, MedGen C0393706, MONDO:0800491.

Submission:

Labcorp Genetics (formerly Invitae), Labcorp
Classification: Pathogenic for Early-infantile DEE. Last evaluated: 2022-07-19. Review status: criteria provided, single submitter. Criteria: Invitae Variant Classification Sherloc (09022015). Collection method: clinical testing. Allele origin: germline.
Comment: This variant is not present in population databases (gnomAD no frequency). This sequence change replaces glutamine, which is neutral and polar, with proline, which is neutral and non-polar, at codon 52 of the GNAO1 protein (p.Gln52Pro). For these reasons, this variant has been classified as Pathogenic. Advanced modeling of protein sequence and biophysical properties (such as structural, functional, and spatial information, amino acid conservation, physicochemical variation, residue mobility, and thermodynamic stability) performed at Invitae indicates that this missense variant is expected to disrupt GNAO1 protein function. This missense change has been observed in individual(s) with GNAO1-related conditions (PMID: 29390993). In at least one individual the variant was observed to be de novo.

Literature cited by the submitters: PubMed 29390993.

NM_020988.3(GNAO1):c.155A>C (p.Gln52Pro)

Gene: GNAO1 (G protein subunit alpha o1; plus strand). Cytogenetic location: 16q13.
Variant type: single nucleotide variant.
Coding change: c.155A>C on transcript NM_020988.3 (MANE Select); coding-DNA position 155, A replaced by C.
Protein change: p.Gln52Pro; replaces glutamine 52 with proline.
Molecular consequence: missense variant.
Genome position (GRCh38, 1-based): chr16:56,192,610, A>C. VCF-style: chr16-56192610-A-C. GRCh37 (hg19) VCF-style: chr16-56226522-A-C.
Other names: c.155A>C, p.Gln52Pro (NM_138736.3); short protein forms Q52P.
Identifiers: ClinVar variation 2152262 (VCV002152262.4), dbSNP rs2143272260, ClinGen allele CA396128645.
Genomic context (GRCh38, chr16:56,192,610, plus strand): 5'-TCCCCACTGTCTGTGTCCCAACAGGGGCTGGAGAATCAGGAAAAAGCACCATTGTGAAGC[A>C]GATGAAGTAAGTCCCTGTGGCATTGGGATTCGTACTTTTATTAAGAATAATTTTTAAATC-3'
Protein context (NP_066268.1, residues 42-62): GESGKSTIVK[Gln52Pro]MKIIHEDGFS